The following is an entry in ClinVar:

NM_001080.3(ALDH5A1):c.1323dup (p.Pro442fs)

Gene: ALDH5A1 (aldehyde dehydrogenase 5 family member A1; plus strand). Cytogenetic location: 6p22.3.
Variant type: Duplication.
Coding change: c.1323dup on transcript NM_001080.3 (MANE Select); coding-DNA position 1323, one base duplicated (G; older notation c.1323dupG).
Protein change: p.Pro442fs; shifts the reading frame from proline 442.
Molecular consequence: frameshift variant.
Genome position (GRCh38, 1-based): chr6:24,528,146, G duplicated; the last of 3 consecutive G bases (chr6:24,528,144-24,528,146); duplicating any one gives the same sequence. VCF-style (leftmost placement, unchanged base first): chr6-24528143-C-CG. GRCh37 (hg19) VCF-style: chr6-24528371-C-CG.
Other names: c.1179dup, p.Pro394fs (NM_001368954.1); c.1362dup, p.Pro455fs (NM_170740.1); c.1323dupG (NM_001080.3); short protein forms P442fs, P455fs, P394fs.
Identifiers: ClinVar variation 595206 (VCV000595206.15), dbSNP rs1561879345, ClinGen allele CA913189874.

ClinVar aggregate classification (germline): Pathogenic/Likely pathogenic. Review status: criteria provided, multiple submitters, no conflicts (2 of 4 stars). 4 submissions from 4 submitters: Pathogenic (3); Likely pathogenic (1). Last evaluated 2022-11-25.

Conditions:
Succinate-semialdehyde dehydrogenase deficiency (SSADHD). Also called: Succinic Semialdehyde Dehydrogenase Deficiency; SSADH DEFICIENCY; 4-HYDROXYBUTYRIC ACIDURIA; GABA METABOLIC DEFECT. Identifiers: Orphanet 22, MedGen C0268631, MONDO:0010083, OMIM 271980.

Submissions (4):

GeneDx
Classification: Likely pathogenic. Last evaluated: 2022-11-25. Review status: criteria provided, single submitter. Criteria: GeneDx Variant Classification Process June 2021. Collection method: clinical testing. Allele origin: germline. Affected: yes.
Comment: Frameshift variant predicted to result in protein truncation, as the last 94 amino acids are replaced with 18 different amino acids, and other loss-of-function variants have been reported downstream in the Human Gene Mutation Database (HGMD); Not observed at significant frequency in large population cohorts (gnomAD); This variant is associated with the following publications: (PMID: 14635103, 27535533, 24077912)

Elsea Laboratory, Baylor College of Medicine
Classification: Pathogenic for Succinate-semialdehyde dehydrogenase deficiency. Last evaluated: 2021-03-08. Review status: criteria provided, single submitter. Criteria: Martin et al. (J Child Neurol. 2021). Collection method: curation. Allele origin: germline. Affected: yes.

Labcorp Genetics (formerly Invitae), Labcorp
Classification: Pathogenic for Succinate-semialdehyde dehydrogenase deficiency. Last evaluated: 2021-02-06. Review status: criteria provided, single submitter. Criteria: Invitae Variant Classification Sherloc (09022015). Collection method: clinical testing. Allele origin: germline.
Comment: This sequence change creates a premature translational stop signal (p.Pro442Alafs*19) in the ALDH5A1 gene. While this is not anticipated to result in nonsense mediated decay, it is expected to disrupt the last 94 amino acid(s) of the ALDH5A1 protein. This variant is not present in population databases (ExAC no frequency). This variant has been observed in individual(s) with SSADH deficiency (PMID: 14635103). The variant is also known as p.P442fsX18 in the literature. ClinVar contains an entry for this variant (Variation ID: 595206). This variant disrupts the C-terminus of the ALDH5A1 protein. Other variant(s) that disrupt this region (p.Arg514*) have been determined to be pathogenic (PMID: 14635103). This suggests that variants that disrupt this region of the protein are likely to be causative of disease. For these reasons, this variant has been classified as Pathogenic.

Eurofins Ntd Llc (ga)
Classification: Pathogenic. Last evaluated: 2017-11-30. Review status: criteria provided, single submitter. Criteria: EGL Classification Definitions 2015. Collection method: clinical testing. Allele origin: germline. Observed: 1 variant allele, 1 heterozygote.

Literature cited by the submitters: PubMed 14635103 (cited by Elsea Laboratory, Baylor College of Medicine and Labcorp Genetics (formerly Invitae), Labcorp).